The following is an entry in ClinVar:

ClinVar aggregate classification (germline): Likely pathogenic (3 of 4 stars; one submission).

Conditions:
Bernard Soulier syndrome (BSS). Also called: GLYCOPROTEIN Ib, PLATELET, DEFICIENCY OF; PLATELET GLYCOPROTEIN Ib DEFICIENCY; VON WILLEBRAND FACTOR RECEPTOR DEFICIENCY; Giant platelet syndrome; Hemorrhagiparous thrombocytic dystrophy; Giant platelet disease. Identifiers: Orphanet 274, MedGen C0005129, MeSH D001606, MONDO:0009276, OMIM 231200.

Submission:

ClinGen Platelet Disorders Variant Curation Expert Panel, ClinGen
Classification: Likely pathogenic for Bernard Soulier syndrome. Last evaluated: 2025-11-06. Review status: reviewed by expert panel. Criteria: ClinGen Platelet ACMG Specifications GP1BA V1.0.0. Collection method: curation. Allele origin: germline. Inheritance: Autosomal recessive inheritance.
Comment: The c.952del (p.Ala318ProfsTer17) variant in GP1BA is a frameshift variant that may cause loss of function of the protein, however it is predicted to escape nonsense mediated decay and remove >10% of the protein (PVS1_Strong). At least one patient (Patient BSS-1 in PMID:23300803) with this variant had aggregation absent for ristocetin and present for all other agonists as well as less than 10% expression of GPIba measured by flow cytometry, which is highly specific for Bernard-Soulier syndrome. Additionally, the patient had excessive mucocutaneous bleeding and macrothrombocytopenia which are consistent with Bernard-Soulier syndrome (PP4). This variant is absent from gnomAD v4.1.0 (PM2_Supporting). In summary, this variant meets the criteria to be classified as Likely Pathogenic for autosomal recessive Bernard-Soulier syndrome based on the ACMG/AMP criteria applied, as specified by the ClinGen PD VCEP: PVS1_Strong, PP4, and PM2_Supporting (VCEP specifications version 1).

NM_000173.7(GP1BA):c.952del (p.Ala318fs)

Gene: GP1BA (glycoprotein Ib platelet subunit alpha; plus strand). Cytogenetic location: 17p13.2.
Variant type: Deletion.
Coding change: c.952del on transcript NM_000173.7 (MANE Select); coding-DNA position 952, one base deleted (G; older notation c.952delG).
Protein change: p.Ala318fs; shifts the reading frame from alanine 318.
Molecular consequence: frameshift variant.
Genome position (GRCh38, 1-based): chr17:4,933,556, G deleted. VCF-style (leftmost placement, unchanged base first): chr17-4933555-AG-A. GRCh37 (hg19) VCF-style: chr17-4836850-AG-A.
Other names: NM_000173.7:c.952del; short protein forms A318fs.
Identifiers: ClinVar variation 4539005 (VCV004539005.1).
Genomic context (GRCh38, chr17:4,933,555, plus strand): 5'-AGAGGACACTGAGGGCGATAAGGTGCGTGCCACAAGGACTGTGGTCAAGTTCCCCACCAA[AG>A]CCCATACAACCCCCTGGGGTCTATTCTACTCATGGTCCACTGCTTCTCTAGACAGCCAAA-3'